The following is an entry in ClinVar:

NM_003238.6(TGFB2):c.801A>G (p.Ile267Met)

Gene: TGFB2 (transforming growth factor beta 2; plus strand). Cytogenetic location: 1q41.
Variant type: single nucleotide variant.
Coding change: c.801A>G on transcript NM_003238.6 (MANE Select); coding-DNA position 801, A replaced by G.
Protein change: p.Ile267Met; replaces isoleucine 267 with methionine.
Molecular consequence: missense variant.
Genome position (GRCh38, 1-based): chr1:218,436,016, A>G. VCF-style: chr1-218436016-A-G. GRCh37 (hg19) VCF-style: chr1-218609358-A-G.
Other names: c.885A>G, p.Ile295Met (NM_001135599.4); short protein forms I267M, I295M.
Identifiers: ClinVar variation 4737533 (VCV004737533.1).
Genomic context (GRCh38, chr1:218,436,016, plus strand): 5'-TGCATTTTTTCAAGGTATTGATGGCACCTCCACATATACCAGTGGTGATCAGAAAACTAT[A>G]AAGTCCACTAGGAAAAAAAACAGTGGGAAGACCCCACATCTCCTGCTAATGTTATTGCCC-3'
Protein context (NP_003229.1, residues 257-277): STYTSGDQKT[Ile267Met]KSTRKKNSGK

ClinVar aggregate classification (germline): Uncertain significance (1 of 4 stars; one submission).

Conditions:
Loeys-Dietz syndrome 4 (LDS4). Also called: ANEURYSM, AORTIC AND CEREBRAL, WITH ARTERIAL TORTUOSITY AND SKELETAL MANIFESTATIONS; TGFB2-Related Loeys-Dietz Syndrome. Identifiers: MedGen C3553762, MONDO:0013897, OMIM 614816.

Submission:

Labcorp Genetics (formerly Invitae), Labcorp
Classification: Uncertain significance for Loeys-Dietz syndrome 4. Last evaluated: 2025-09-20. Review status: criteria provided, single submitter. Criteria: Invitae Variant Classification Sherloc (09022015). Collection method: clinical testing. Allele origin: germline.
Comment: This sequence change replaces isoleucine, which is neutral and non-polar, with methionine, which is neutral and non-polar, at codon 267 of the TGFB2 protein (p.Ile267Met). This variant is not present in population databases (gnomAD no frequency). This variant has not been reported in the literature in individuals affected with TGFB2-related conditions. Invitae Evidence Modeling of protein sequence and biophysical properties (such as structural, functional, and spatial information, amino acid conservation, physicochemical variation, residue mobility, and thermodynamic stability) indicates that this missense variant is not expected to disrupt TGFB2 protein function with a negative predictive value of 80%. In summary, the available evidence is currently insufficient to determine the role of this variant in disease. Therefore, it has been classified as a Variant of Uncertain Significance.